The following is an entry in ClinVar:

NM_182931.3(KMT2E):c.2404dup (p.Arg802fs)

Gene: KMT2E (lysine methyltransferase 2E (inactive); plus strand). Cytogenetic location: 7q22.3.
Variant type: Duplication.
Coding change: c.2404dup on transcript NM_182931.3 (MANE Select); coding-DNA position 2404, one base duplicated (A; older notation c.2404dupA).
Protein change: p.Arg802fs; shifts the reading frame from arginine 802.
Molecular consequence: frameshift variant.
Genome position (GRCh38, 1-based): chr7:105,105,646, A duplicated; the last of 6 consecutive A bases (chr7:105,105,641-105,105,646); duplicating any one gives the same sequence. VCF-style (leftmost placement, unchanged base first): chr7-105105640-G-GA. GRCh37 (hg19) VCF-style: chr7-104746087-G-GA.
Other names: c.2404dup, p.Arg802fs (NM_001410908.1, NM_018682.4); short protein forms R802fs.
Identifiers: ClinVar variation 3906983 (VCV003906983.1).

ClinVar aggregate classification (germline): Likely pathogenic (1 of 4 stars; one submission).

Conditions:
O'Donnell-Luria-Rodan syndrome (ODLURO). Also called: KMT2E-Related Neurodevelopmental Disorder. Identifiers: MedGen C5193138, MONDO:0032793, OMIM 618512.

Submission:

Institute of Human Genetics, University of Goettingen
Classification: Likely pathogenic for O'Donnell-Luria-Rodan syndrome. Review status: criteria provided, single submitter. Criteria: ACMG Guidelines, 2015. Collection method: clinical testing. Allele origin: unknown. Affected: yes.
Comment: The variant c.2404dup p.Arg802LysfsTer8 on gene KMT2E is a frameshift variant that impacts exon 18 of the gene. It has not been observed in the general population, with a frequency of 0.0% as reported in the Genome Aggregation Database (gnomAD), and there are no reported homozygous individuals for this variant in gnomAD. Computational evidence supporting the predicted deleterious effect of the variant includes a Combined Annotation Dependent Depletion (CADD) score of 33.0. The variant c.2404dup p.Arg802LysfsTer8 on gene KMT2E has been classified as likely pathogenic according to the American College of Medical Genetics and Genomics (ACMG)/Association for Molecular Pathology (AMP) criteria. This classification is specific to the condition known as O'Donnell-Luria-Rodan syndrome, a rare genetic disorder. For this condition, the variant met the following ACMG/AMP criteria: PVS1 (Pathogenic Very Strong 1) and PM2 (Pathogenic Moderate 2).